The following is an entry in ClinVar:

NM_001127511.3(APC):c.165+26518G>A

Gene: APC (APC regulator of Wnt signaling pathway; plus strand). Cytogenetic location: 5q22.2.
Variant type: single nucleotide variant.
Coding change: c.165+26518G>A on transcript NM_001127511.3; 26518 bases into the intron after coding-DNA position 165, G replaced by A.
Molecular consequence: intron variant.
Genome position (GRCh38, 1-based): chr5:112,734,400, G>A. VCF-style: chr5-112734400-G-A. GRCh37 (hg19) VCF-style: chr5-112070097-G-A.
Other names: c.-18-20473G>A (NM_001407448.1, NM_001407450.1, NM_001407457.1 and 7 more transcripts); c.-43+26751G>A (NM_001407453.1); c.-1053-20473G>A (NM_001407470.1, NM_001407472.1); c.165+26518G>A (NM_001407446.1, NM_001354897.2, NM_001354902.2).
Identifiers: ClinVar variation 82315 (VCV000082315.4), dbSNP rs80235152, ClinGen allele CA023590.
Genomic context (GRCh38, chr5:112,734,400, plus strand): 5'-TGAAAAATACAGAACCAGTTAGGCACACATCTAACTTATCTCTTCTTAGGCTTTTCCATC[G>A]TACCATAACTAACTATAAGATCCGAACACTGAAAGGTTTCTAAATCTGAGCTTTATTTGA-3'

ClinVar aggregate classification (germline): other (0 of 4 stars; one submission).

Conditions:
Familial colorectal cancer. Identifiers: MedGen CN280943, MONDO:0023113. Disease mechanism: loss of function.

Allele frequency attached by ClinVar (database versions not stated): 1000 Genomes Project 0.00160; gnomAD 0.00033 and 0.00042; 1000 Genomes Project 30x 0.00125; TOPMed 0.00048.
gnomAD v4.1: 63 of 152,156 alleles (0.041%); highest among the groups gnomAD compares: East Asian, 1.1%; no homozygotes.

Submission:

Systems Biology Platform Zhejiang California International NanoSystems Institute
Classification: other for Familial colorectal cancer. Review status: no assertion criteria provided. Collection method: not provided. Allele origin: unknown.
ClinVar note: Converted during submission from cancer to other.